The following is an entry in ClinVar:

NM_018192.4(P3H2):c.2038C>T (p.Arg680Ter)

Gene: P3H2 (prolyl 3-hydroxylase 2; minus strand). Cytogenetic location: 3q28.
Variant type: single nucleotide variant.
Coding change: c.2038C>T on transcript NM_018192.4 (MANE Select); coding-DNA position 2038, C replaced by T.
Protein change: p.Arg680Ter; replaces arginine 680 with a stop codon.
Molecular consequence: nonsense.
Genome position (GRCh38, 1-based): chr3:189,958,001, G>A on the plus strand (C>T on the coding strand, the complement: P3H2 is on the minus strand). VCF-style: chr3-189958001-G-A. GRCh37 (hg19) VCF-style: chr3-189675790-G-A.
Other names: c.1495C>T, p.Arg499Ter (NM_001134418.2); short protein forms R680*, R499*.
Identifiers: ClinVar variation 844528 (VCV000844528.4), dbSNP rs751877902, ClinGen allele CA2752672.

ClinVar aggregate classification (germline): Uncertain significance. Review status: criteria provided, multiple submitters, no conflicts (2 of 4 stars). 2 submissions from 2 submitters: Uncertain significance (2). Last evaluated 2023-09-15.

Conditions:
P3H2-related disorder. Also called: P3H2-related condition.

Allele frequency attached by ClinVar (database versions not stated): gnomAD 0.00001; gnomAD exomes 0.00001 and 0.00003; TOPMed 0.00001; ExAC 0.00004.
gnomAD v4.1: 20 of 1,611,038 alleles (0.0012%); highest among the groups gnomAD compares: South Asian, 0.011%; no homozygotes.

Submissions (2):

PreventionGenetics, part of Exact Sciences
Classification: Uncertain significance for P3H2-related condition. Last evaluated: 2023-09-15. Review status: criteria provided, single submitter. Criteria: ACMG Guidelines, 2015. Collection method: clinical testing. Allele origin: germline.
Comment: The P3H2 c.2038C>T variant is predicted to result in premature protein termination (p.Arg680*). To our knowledge, this variant has not been reported in the literature. While other nonsense and frameshift variants in P3H2 have been reported in individuals with myopia and/or cataracts (Guo et al. 2014. PubMed ID: 24172257; Khan et al. 2019. PubMed ID: 30608193), none have been reported downstream of this variant. Additionally, this variant is located in the terminal exon and therefore the transcript is not expected to undergo nonsense mediated decay. This variant is reported in 0.016% of alleles in individuals of South Asian descent in gnomAD. Although we suspect that this variant may be pathogenic, at this time, the clinical significance of this variant is uncertain due to the absence of conclusive functional and genetic evidence.

Labcorp Genetics (formerly Invitae), Labcorp
Classification: Uncertain significance. Last evaluated: 2022-02-08. Review status: criteria provided, single submitter. Criteria: Invitae Variant Classification Sherloc (09022015). Collection method: clinical testing. Allele origin: germline.
Comment: This sequence change creates a premature translational stop signal (p.Arg680*) in the P3H2 gene. While this is not anticipated to result in nonsense mediated decay, it is expected to disrupt the last 29 amino acid(s) of the P3H2 protein. This variant is present in population databases (rs751877902, gnomAD 0.02%). This variant has not been reported in the literature in individuals affected with P3H2-related conditions. ClinVar contains an entry for this variant (Variation ID: 844528). Experimental studies and prediction algorithms are not available or were not evaluated, and the functional significance of this variant is currently unknown. In summary, the available evidence is currently insufficient to determine the role of this variant in disease. Therefore, it has been classified as a Variant of Uncertain Significance.